The following is an entry in ClinVar:

ClinVar aggregate classification (germline): Uncertain significance (1 of 4 stars; one submission).

Allele frequency attached by ClinVar (database versions not stated): gnomAD 0.00001; gnomAD exomes 0.00001; TOPMed 0.00002.
gnomAD v4.1: 15 of 1,612,102 alleles (0.00093%); highest among the groups gnomAD compares: African/African-American, 0.004%; no homozygotes.

Submission:

Labcorp Genetics (formerly Invitae), Labcorp
Classification: Uncertain significance. Last evaluated: 2023-10-17. Review status: criteria provided, single submitter. Criteria: Invitae Variant Classification Sherloc (09022015). Collection method: clinical testing. Allele origin: germline.
Comment: This sequence change replaces alanine, which is neutral and non-polar, with valine, which is neutral and non-polar, at codon 63 of the SLC13A3 protein (p.Ala63Val). The frequency data for this variant in the population databases is considered unreliable, as metrics indicate poor data quality at this position in the gnomAD database. This variant has not been reported in the literature in individuals affected with SLC13A3-related conditions. Advanced modeling of protein sequence and biophysical properties (such as structural, functional, and spatial information, amino acid conservation, physicochemical variation, residue mobility, and thermodynamic stability) has been performed at Invitae for this missense variant, however the output from this modeling did not meet the statistical confidence thresholds required to predict the impact of this variant on SLC13A3 protein function. In summary, the available evidence is currently insufficient to determine the role of this variant in disease. Therefore, it has been classified as a Variant of Uncertain Significance.

NM_022829.6(SLC13A3):c.188C>T (p.Ala63Val)

Gene: SLC13A3 (solute carrier family 13 member 3; minus strand). Cytogenetic location: 20q13.12.
Variant type: single nucleotide variant.
Coding change: c.188C>T on transcript NM_022829.6 (MANE Select); coding-DNA position 188, C replaced by T.
Protein change: p.Ala63Val; replaces alanine 63 with valine.
Molecular consequence: missense variant. On other transcripts: intron variant (1).
Genome position (GRCh38, 1-based): chr20:46,613,649, G>A on the plus strand (C>T on the coding strand, the complement: SLC13A3 is on the minus strand). VCF-style: chr20-46613649-G-A. GRCh37 (hg19) VCF-style: chr20-45242288-G-A.
Other names: c.47C>T, p.Ala16Val (NM_001011554.3, NM_001193340.2); c.188C>T, p.Ala63Val (NM_001193339.2); c.-10-97C>T (NM_001193342.2); short protein forms A16V, A63V.
Identifiers: ClinVar variation 3011895 (VCV003011895.3), dbSNP rs1369714214, ClinGen allele CA409270258.